The following is an entry in ClinVar:

ClinVar aggregate classification (germline): Conflicting classifications of pathogenicity. Review status: criteria provided, conflicting classifications (1 of 4 stars). 4 submissions from 4 submitters: Uncertain significance (1); Benign (2); Likely benign (1). Last evaluated 2025-05-30.

Conditions:
Hereditary breast ovarian cancer syndrome. Also called: Hereditary breast and ovarian cancer; Hereditary breast and ovarian cancer syndrome (HBOC); Breast and ovarian cancer; Hereditary breast and/or ovarian cancer syndrome; BRCA1- and BRCA2-Associated Hereditary Breast and Ovarian Cancer; Hereditary breast and ovarian cancer syndrome. Identifiers: Orphanet 145, MedGen C0677776, MeSH D061325, MONDO:0003582. Disease mechanism: loss of function.
Breast-ovarian cancer, familial, susceptibility to, 1 (BROVCA1). Also called: BRCA1 Hereditary Breast and Ovarian Cancer; OVARIAN CANCER, SUSCEPTIBILITY TO. Identifiers: Orphanet 145, MedGen C2676676, MONDO:0011450, OMIM 604370. Disease mechanism: loss of function.
Hereditary cancer-predisposing syndrome. Also called: Neoplastic Syndromes, Hereditary; Tumor predisposition; Hereditary Cancer Syndrome; Hereditary neoplastic syndrome. Identifiers: Orphanet 140162, MedGen C0027672, MeSH D009386, MONDO:0015356.

Submissions (5):

Ambry Genetics
Classification: Likely benign for Hereditary cancer-predisposing syndrome. Last evaluated: 2025-05-30. Review status: criteria provided, single submitter. Criteria: Ambry Variant Classification Scheme 2023. Collection method: clinical testing. Allele origin: germline.

Labcorp Genetics (formerly Invitae), Labcorp
Classification: Benign for Hereditary breast ovarian cancer syndrome. Last evaluated: 2024-05-06. Review status: criteria provided, single submitter. Criteria: Invitae Variant Classification Sherloc (09022015). Collection method: clinical testing. Allele origin: germline.

Lupski Lab, Baylor-Hopkins CMG, Baylor College of Medicine
Classification: Benign for Breast-ovarian cancer, familial, susceptibility to, 1. Last evaluated: 2024-04-12. Review status: criteria provided, single submitter. Criteria: Dawood et al. (medRxiv. 2024). Collection method: curation. Allele origin: germline.
Comment: Each variant was annotated with functional scores from MAVE data which was translated into functional evidence codes. All other evidence codes and combining criteria were adhered to as closely as possible based on the ClinGen VCEP (Variant Curation Expert Panel) gene-specific recommendations. See Supplemental Figure 34 of final paper (Supp Fig. 28 in preprint: doi:10.1101/2024.04.11.24305690) for a table to see which lines of evidence we did not have data for. The ClinGen VCEPs are highly regarded as the gold-standard for gene-specific variant curation and are developed after extensive evaluation of the evidence by clinical and scientific experts for the particular gene to classify genomic variants on a spectrum from pathogenic to benign using the 2015 ACMG/AMP Variant Interpretation Guidelines as a backbone (PMID: 25741868). Reclassification of these VUS variants from gnomAD or All of Us focused only on variants originally prescribed as VUS in ClinVar. To ensure reproducibility, transparency, and increased throughput, all the procedures for annotating variants and assigning evidence codes were codified using Python. All code has been made freely available and is linked in the Code Availability section and all reclassified variants with evidence codes used can be found in Tables S18-19 (preprint: doi:10.1101/2024.04.11.24305690). For the MAVE data, the clinical curation and clinical strength assignment as per the ClinGen recommendations in Brnich et al. (2020) (PMID: 31892348) for or against pathogenicity or benignity of each of these MAVE datasets utilized in this study were previously published in Fayer et al. (2021) (PMID: 34793697).In brief, for BRCA1 variants, if a variant was categorized as FUNC (functional), it was assigned BS3 evidence and no PS3 evidence, whereas if it was categorized as LOF (loss of function), the variant was assigned PS3 evidence and no BS3 evidence. Variants categorized as INT (intermediate) were left unannotated. For the BRCA1 combining criteria, greater than or equal to 1 criteria of strong benign evidence was enough to reclassify the VUS as Likely Benign. This variant GRCh38:17:43070979:C>A was assigned evidence codes ['BS3', 'BP1_Strong'] and an overall classification of Benign

Women's Health and Genetics/Laboratory Corporation of America, LabCorp
Classification: Uncertain significance. Last evaluated: 2020-09-11. Review status: criteria provided, single submitter. Criteria: LabCorp Variant Classification Summary - May 2015. Collection method: clinical testing. Allele origin: germline.
Comment: Variant summary: BRCA1 c.4935G>T (p.Arg1645Ser) results in a non-conservative amino acid change located in the BRCT domain (IPR001357) of the encoded protein sequence. Four of five in-silico tools predict a benign effect of the variant on protein function. The variant was absent in 251254 control chromosomes (gnomAD). The available data on variant occurrences in the general population are insufficient to allow any conclusion about variant significance. A different variant resulting in the same codon effect (c.4935G>C, p.R1645S) has been reported in online databases and in published studies. p.R1645S has been reported in the literature in individuals affected with Hereditary Breast And Ovarian Cancer Syndrome (e.g. Pal_2005, Haffty_2009, Nakamura_2015). These reports do not provide unequivocal conclusions about association of the variant with Hereditary Breast And Ovarian Cancer Syndrome. Functional studies concluded through usage of transcriptional assays that the variant is not pathogenic (Woods_2016, Fernandes_2019). No clinical diagnostic laboratories have submitted clinical-significance assessments for this variant to ClinVar after 2014. However, variant c.4935G>C which results in the same codon effect (p.R1645S), is cited by eight ClinVar submitters (evaluation after 2014) as uncertain significance and by one ClinVar submitter (evaluation after 2014) as likely benign (Variation ID: 55321). Based on the evidence outlined above, the variant was classified as uncertain significance until additional data of clinical and/or functional importance becomes available.

Brotman Baty Institute, University of Washington
No classification provided (evidence only). Condition: Breast-ovarian cancer, familial 1. Review status: no classification provided. Collection method: in vitro. Allele origin: not applicable. Functional consequence: functionally_normal. Not counted in ClinVar's aggregate classification.
ClinVar note: "not provided" was previously submitted as the classification for the variant. However, the classification appeared to be based only on an observation of functional data so it was converted to no classification on 2025-07-30.

Literature cited by the submitters: PubMed 28781887 (cited by Ambry Genetics and Women's Health and Genetics/Laboratory Corporation of America, LabCorp); PubMed 30209399 (cited by Ambry Genetics); PubMed 39142283 (cited by Lupski Lab, Baylor-Hopkins CMG, Baylor College of Medicine); PubMed 34793697 (cited by Lupski Lab, Baylor-Hopkins CMG, Baylor College of Medicine); DOI 10.1101/2024.04.11.24305690 (cited by Lupski Lab, Baylor-Hopkins CMG, Baylor College of Medicine); PubMed 16284991 (cited by Women's Health and Genetics/Laboratory Corporation of America, LabCorp); PubMed 19491284 (cited by Women's Health and Genetics/Laboratory Corporation of America, LabCorp); PubMed 24249303 (cited by Women's Health and Genetics/Laboratory Corporation of America, LabCorp); PubMed 25136594 (cited by Women's Health and Genetics/Laboratory Corporation of America, LabCorp); PubMed 27852271 (cited by Women's Health and Genetics/Laboratory Corporation of America, LabCorp); PubMed 29176636 (cited by Women's Health and Genetics/Laboratory Corporation of America, LabCorp); PubMed 30287823 (cited by Women's Health and Genetics/Laboratory Corporation of America, LabCorp); PubMed 30765603 (cited by Women's Health and Genetics/Laboratory Corporation of America, LabCorp).

NM_007294.4(BRCA1):c.4935G>T (p.Arg1645Ser)

Gene: BRCA1 (BRCA1 DNA repair associated; minus strand). Cytogenetic location: 17q21.31.
Variant type: single nucleotide variant.
Coding change: c.4935G>T on transcript NM_007294.4 (MANE Select); coding-DNA position 4935, G replaced by T.
Protein change: p.Arg1645Ser; replaces arginine 1645 with serine.
Molecular consequence: missense variant. On other transcripts: non-coding transcript variant (1).
Genome position (GRCh38, 1-based): chr17:43,070,979, C>A on the plus strand (G>T on the coding strand, the complement: BRCA1 is on the minus strand). VCF-style: chr17-43070979-C-A. GRCh37 (hg19) VCF-style: chr17-41222996-C-A.
Other names: c.4722G>T, p.Arg1574Ser (NM_001407571.1, NM_001407894.1, NM_001407908.1 and 12 more transcripts); c.5001G>T, p.Arg1667Ser (NM_001407581.1, NM_001407582.1); c.4998G>T, p.Arg1666Ser (NM_001407583.1, NM_001407585.1, NM_001407587.1 and 1 more transcripts); c.4995G>T, p.Arg1665Ser (NM_001407590.1, NM_001407591.1); c.4935G>T, p.Arg1645Ser (NM_001407593.1, NM_001407594.1, NM_001407596.1 and 8 more transcripts); c.4932G>T, p.Arg1644Ser (NM_001407615.1, NM_001407616.1, NM_001407617.1 and 17 more transcripts); c.4929G>T, p.Arg1643Ser (NM_001407634.1, NM_001407635.1, NM_001407636.1 and 14 more transcripts); c.4854G>T, p.Arg1618Ser (NM_001407656.1, NM_001407657.1, NM_001407658.1); and 70 more; short protein forms R1645S, R541S, R1598S, R1666S, R1491S, R1517S, R1533S, R1556S.
Identifiers: ClinVar variation 868858 (VCV000868858.9), dbSNP rs80357373, ClinGen allele CA10591655.